The following is an entry in ClinVar:

NM_000444.6(PHEX):c.2011C>A (p.Pro671Thr)

Genes: PHEX (phosphate regulating endopeptidase X-linked; plus strand), PTCHD1-AS (PTCHD1 antisense RNA (head to head); minus strand). Cytogenetic location: Xp22.11.
Variant type: single nucleotide variant.
Coding change: c.2011C>A on transcript NM_000444.6 (MANE Select); coding-DNA position 2011, C replaced by A.
Protein change: p.Pro671Thr; replaces proline 671 with threonine.
Molecular consequence: missense variant. On other transcripts: non-coding transcript variant (1).
Genome position (GRCh38, 1-based): chrX:22,227,552, C>A. VCF-style: chrX-22227552-C-A. GRCh37 (hg19) VCF-style: chrX-22245669-C-A.
Other names: c.2011C>A, p.Pro671Thr (NM_001282754.2); short protein forms P671T.
Identifiers: ClinVar variation 3901531 (VCV003901531.1).

ClinVar aggregate classification (germline): Likely pathogenic (1 of 4 stars; one submission).

Submission:

GeneDx
Classification: Likely pathogenic. Last evaluated: 2024-12-06. Review status: criteria provided, single submitter. Criteria: GeneDx Variant Classification Process June 2021. Collection method: clinical testing. Allele origin: germline. Affected: yes.
Comment: Not observed at significant frequency in large population cohorts (gnomAD); In silico analysis supports that this missense variant has a deleterious effect on protein structure/function; This variant is associated with the following publications: (PMID: 34141703, 34557487)